The following is an entry in ClinVar:

ClinVar aggregate classification (germline): Pathogenic (1 of 4 stars; one submission).

Conditions:
Familial cancer of breast. Also called: BREAST CANCER, FAMILIAL; hereditary breast carcinoma; Hereditary breast cancer. Identifiers: Orphanet 227535, MedGen C0346153, MONDO:0016419, OMIM 114480. Disease mechanism: loss of function.

Submission:

Myriad Genetics, Inc.
Classification: Pathogenic for Familial cancer of breast. Last evaluated: 2023-05-18. Review status: criteria provided, single submitter. Criteria: Myriad Autosomal Dominant, Autosomal Recessive and X-Linked Classification Criteria (2023). Collection method: clinical testing. Allele origin: unknown.
Comment: This variant is considered pathogenic. This variant creates a termination codon and is predicted to result in premature protein truncation.

NM_000465.4(BARD1):c.282del (p.Asp94_Leu95insTer)

Gene: BARD1 (BRCA1 associated RING domain 1; minus strand). Cytogenetic location: 2q35.
Variant type: Deletion.
Coding change: c.282del on transcript NM_000465.4 (MANE Select); coding-DNA position 282, one base deleted (C; older notation c.282delC).
Protein change: p.Asp94_Leu95insTer.
Molecular consequence: frameshift variant. On other transcripts: non-coding transcript variant (1), intron variant (2).
Genome position (GRCh38, 1-based): chr2:214,792,379, G deleted on the plus strand (C on the coding strand, the reverse complement: BARD1 is on the minus strand). VCF-style (leftmost placement, unchanged base first): chr2-214792378-AG-A. GRCh37 (hg19) VCF-style: chr2-215657102-AG-A.
Other names: c.225del, p.Asp75_Leu76insTer (NM_001282543.2); c.282del, p.Asp94_Leu95insTer (NM_001282549.2); c.158+17033del (NM_001282548.2); c.215+4682del (NM_001282545.2).
Identifiers: ClinVar variation 2583785 (VCV002583785.2), dbSNP rs2469561153, ClinGen allele CA2582342121.